The following is an entry in ClinVar:

ClinVar aggregate classification (germline): Uncertain significance (1 of 4 stars; one submission).

Conditions:
PLXNA1-related disorder. Also called: PLXNA1-related condition.

Submission:

PreventionGenetics, part of Exact Sciences
Classification: Uncertain significance for PLXNA1-related condition. Last evaluated: 2026-01-22. Review status: criteria provided, single submitter. Criteria: ACMG Guidelines, 2015. Collection method: clinical testing. Allele origin: germline.
Comment: The PLXNA1 c.1336A>G variant is predicted to result in the amino acid substitution p.Thr446Ala. To our knowledge, this variant has not been reported in the literature. This variant is reported in 0.0033% of alleles in individuals of South Asian descent in gnomAD. At this time, the clinical significance of this variant is uncertain due to the absence of conclusive functional and genetic evidence.

NM_032242.4(PLXNA1):c.1336A>G (p.Thr446Ala)

Gene: PLXNA1 (plexin A1; plus strand). Cytogenetic location: 3q21.3.
Variant type: single nucleotide variant.
Coding change: c.1336A>G on transcript NM_032242.4 (MANE Select); coding-DNA position 1336, A replaced by G.
Protein change: p.Thr446Ala; replaces threonine 446 with alanine.
Molecular consequence: missense variant.
Genome position (GRCh38, 1-based): chr3:126,991,525, A>G. VCF-style: chr3-126991525-A-G. GRCh37 (hg19) VCF-style: chr3-126710368-A-G.
Other names: short protein forms T446A.
Identifiers: ClinVar variation 4985716 (VCV004985716.1).